The following is an entry in ClinVar:

NM_000179.3(MSH6):c.-18G>A

Gene: MSH6 (mutS homolog 6; plus strand). Cytogenetic location: 2p16.3.
Variant type: single nucleotide variant.
Coding change: c.-18G>A on transcript NM_000179.3 (MANE Select); 18 bases upstream of the start codon, G replaced by A.
Molecular consequence: 5 prime UTR variant. On other transcripts: non-coding transcript variant (5).
Genome position (GRCh38, 1-based): chr2:47,783,216, G>A. VCF-style: chr2-47783216-G-A. GRCh37 (hg19) VCF-style: chr2-48010355-G-A.
Other names: c.-557G>A (NM_001406816.1); c.-18G>A (NM_001406817.1, NM_001407362.1, NM_001281492.2 and 9 more transcripts); c.-754G>A (NM_001281493.2, NM_001406811.1); c.-53G>A (NM_001406797.1, NM_001406801.1, NM_001406805.1); c.-346G>A (NM_001406799.1); c.-73G>A (NM_001406804.1); c.-84G>A (NM_001406806.1); c.-946G>A (NM_001406807.1); and 3 more.
Identifiers: ClinVar variation 3076140 (VCV003076140.1), dbSNP rs199913053, ClinGen allele CA2699076657.

ClinVar aggregate classification (germline): Uncertain significance (1 of 4 stars; one submission).

Conditions:
Hereditary cancer-predisposing syndrome. Also called: Neoplastic Syndromes, Hereditary; Tumor predisposition; Hereditary neoplastic syndrome; Hereditary Cancer Syndrome. Identifiers: Orphanet 140162, MedGen C0027672, MeSH D009386, MONDO:0015356.

Submission:

Ambry Genetics
Classification: Uncertain significance for Hereditary cancer-predisposing syndrome. Last evaluated: 2014-08-13. Review status: criteria provided, single submitter. Criteria: Ambry Variant Classification Scheme 2023. Collection method: clinical testing. Allele origin: germline.
Comment: The c.-18G>A alteration is located in the 5' untranslated region (5'UTR) of the MSH6 gene. This alteration consists of a G to A substitution nucleotides upstream from the first translated codon. Based on insufficient or conflicting evidence, the clinical significance of this alteration remains unclear.